The following is an entry in ClinVar:

ClinVar aggregate classification (germline): Uncertain significance (1 of 4 stars; one submission).

gnomAD v4.1: 2 of 1,613,904 alleles (0.00012%); highest among the groups gnomAD compares: East Asian, 0.0022%; no homozygotes.

Submission:

Dasa
Classification: Uncertain significance. Last evaluated: 2025-10-07. Review status: criteria provided, single submitter. Criteria: DASA Assertion Criteria. Collection method: clinical testing. Allele origin: germline.
Comment: NM_014709.4(USP34):c.2429C>G (p.Ala810Gly) is a missense variant that results in the substitution of alanine with glycine. This variant is rare in population databases. Computational prediction algorithms are consistent with a benign effect. The currently available literature and clinical evidence are not sufficient to establish a definitive association between this variant and the reported condition. Therefore, this variant is classified as a variant of uncertain significance.

NM_014709.4(USP34):c.2429C>G (p.Ala810Gly)

Gene: USP34 (ubiquitin specific peptidase 34; minus strand). Cytogenetic location: 2p15.
Variant type: single nucleotide variant.
Coding change: c.2429C>G on transcript NM_014709.4 (MANE Select); coding-DNA position 2429, C replaced by G.
Protein change: p.Ala810Gly; replaces alanine 810 with glycine.
Molecular consequence: missense variant.
Genome position (GRCh38, 1-based): chr2:61,343,886, G>C on the plus strand (C>G on the coding strand, the complement: USP34 is on the minus strand). VCF-style: chr2-61343886-G-C. GRCh37 (hg19) VCF-style: chr2-61571021-G-C.
Other names: short protein forms A810G.
Identifiers: ClinVar variation 4881836 (VCV004881836.2).